The following is an entry in ClinVar:

ClinVar aggregate classification (germline): Uncertain significance. Review status: criteria provided, multiple submitters, no conflicts (2 of 4 stars). 2 submissions from 2 submitters: Uncertain significance (2). Last evaluated 2023-05-26.

Conditions:
Inborn genetic diseases. Identifiers: MedGen C0950123, MeSH D030342.
Brown-Vialetto-van Laere syndrome 2. Also called: SPINOCEREBELLAR ATAXIA WITH BLINDNESS AND DEAFNESS 2; Riboflavin transporter deficiency type 2. Identifiers: Orphanet 572543, Orphanet 97229, MedGen C3553538, MONDO:0013867, OMIM 614707.

Allele frequency attached by ClinVar (database versions not stated): gnomAD exomes 0.00001; gnomAD 0.00001; TOPMed 0.00001.

Submissions (2):

Ambry Genetics
Classification: Uncertain significance for Inborn genetic diseases. Last evaluated: 2023-05-26. Review status: criteria provided, single submitter. Criteria: Ambry Variant Classification Scheme 2023. Collection method: clinical testing. Allele origin: germline.

Labcorp Genetics (formerly Invitae), Labcorp
Classification: Uncertain significance for Brown-Vialetto-van Laere syndrome 2. Last evaluated: 2020-03-07. Review status: criteria provided, single submitter. Criteria: Invitae Variant Classification Sherloc (09022015). Collection method: clinical testing. Allele origin: germline.
Comment: In summary, the available evidence is currently insufficient to determine the role of this variant in disease. Therefore, it has been classified as a Variant of Uncertain Significance. Algorithms developed to predict the effect of missense changes on protein structure and function are either unavailable or do not agree on the potential impact of this missense change (SIFT: "Deleterious"; PolyPhen-2: "Probably Damaging"; Align-GVGD: "Class C15"). This variant has not been reported in the literature in individuals with SLC52A2-related conditions. This variant is not present in population databases (ExAC no frequency). This sequence change replaces serine with leucine at codon 207 of the SLC52A2 protein (p.Ser207Leu). The serine residue is highly conserved and there is a large physicochemical difference between serine and leucine.

NM_001363118.2(SLC52A2):c.620C>T (p.Ser207Leu)

Gene: SLC52A2 (solute carrier family 52 member 2; plus strand). Cytogenetic location: 8q24.3.
Variant type: single nucleotide variant.
Coding change: c.620C>T on transcript NM_001363118.2 (MANE Select); coding-DNA position 620, C replaced by T.
Protein change: p.Ser207Leu; replaces serine 207 with leucine.
Molecular consequence: missense variant. On other transcripts: non-coding transcript variant (1), intron variant (1).
Genome position (GRCh38, 1-based): chr8:144,360,112, C>T. VCF-style: chr8-144360112-C-T. GRCh37 (hg19) VCF-style: chr8-145583772-C-T.
Other names: c.620C>T, p.Ser207Leu (NM_001253815.2, NM_001253816.2, NM_001363120.2 and 2 more transcripts); c.131-3C>T (NM_001363122.2); short protein forms S207L.
Identifiers: ClinVar variation 951745 (VCV000951745.7), dbSNP rs1275276031, ClinGen allele CA372627521.